The following is an entry in ClinVar:

ClinVar aggregate classification (germline): Conflicting classifications of pathogenicity. Review status: criteria provided, conflicting classifications (1 of 4 stars). 8 submissions from 8 submitters: Uncertain significance (6); Likely benign (2). Last evaluated 2026-07-07.

Conditions:
Intellectual disability, autosomal dominant 16 (CSS4). Also called: COFFIN-SIRIS SYNDROME 4. Identifiers: Orphanet 1465, MedGen C3553249, MONDO:0013821, OMIM 614609.
Rhabdoid tumor predisposition syndrome 2 (RTPS2). Identifiers: Orphanet 231108, Orphanet 69077, MedGen C2750074, MONDO:0013224, OMIM 613325.
Otosclerosis 12. Identifiers: MedGen C5935610, MONDO:0968980, OMIM 620792.
Hereditary cancer-predisposing syndrome. Also called: Hereditary Cancer Syndrome; Hereditary neoplastic syndrome; Neoplastic Syndromes, Hereditary; Tumor predisposition. Identifiers: Orphanet 140162, MedGen C0027672, MeSH D009386, MONDO:0015356.

Allele frequency attached by ClinVar (database versions not stated): gnomAD exomes 0.00001 and 0.00002; TOPMed 0.00001; ExAC 0.00002.
gnomAD v4.1: 11 of 1,614,098 alleles (0.00068%); highest among the groups gnomAD compares: Non-Finnish European, 0.00093%; no homozygotes.

Submissions (8):

Myriad Genetics, Inc.
Classification: Likely benign for Rhabdoid tumor predisposition syndrome 2. Last evaluated: 2026-07-07. Review status: criteria provided, single submitter. Criteria: Myriad Autosomal Dominant, Autosomal Recessive and X-Linked Classification Criteria (2023). Collection method: clinical testing. Allele origin: unknown.
Comment: This variant is considered likely benign. This variant has been observed at a population frequency that is significantly greater than expected given the associated disease prevalence and penetrance.

Dasa
Classification: Uncertain significance. Last evaluated: 2026-04-23. Review status: criteria provided, single submitter. Criteria: DASA Assertion Criteria. Collection method: clinical testing. Allele origin: germline.
Comment: NM_003072.5(SMARCA4):c.1742A>G (p.Lys581Arg) is a missense variant that results in the substitution of lysine with arginine. This variant is rare in population databases. The currently available literature and clinical evidence are not sufficient to establish a definitive association between this variant and the reported condition. Therefore, this variant is classified as a variant of uncertain significance.

Labcorp Genetics (formerly Invitae), Labcorp
Classification: Uncertain significance for Rhabdoid tumor predisposition syndrome 2. Last evaluated: 2025-11-25. Review status: criteria provided, single submitter. Criteria: Invitae Variant Classification Sherloc (09022015). Collection method: clinical testing. Allele origin: germline.
Comment: This sequence change replaces lysine, which is basic and polar, with arginine, which is basic and polar, at codon 581 of the SMARCA4 protein (p.Lys581Arg). This variant is present in population databases (rs765139835, gnomAD 0.004%). This variant has not been reported in the literature in individuals affected with SMARCA4-related conditions. ClinVar contains an entry for this variant (Variation ID: 408712). Invitae Evidence Modeling of protein sequence and biophysical properties (such as structural, functional, and spatial information, amino acid conservation, physicochemical variation, residue mobility, and thermodynamic stability) has been performed for this missense variant. However, the output from this modeling did not meet the statistical confidence thresholds required to predict the impact of this variant on SMARCA4 protein function. In summary, the available evidence is currently insufficient to determine the role of this variant in disease. Therefore, it has been classified as a Variant of Uncertain Significance.

Baylor Genetics
Classification: Uncertain significance for Rhabdoid tumor predisposition syndrome 2. Last evaluated: 2024-02-19. Review status: criteria provided, single submitter. Criteria: ACMG Guidelines, 2015. Collection method: clinical testing. Allele origin: unknown.

Ambry Genetics
Classification: Likely benign for Hereditary cancer-predisposing syndrome. Last evaluated: 2022-08-11. Review status: criteria provided, single submitter. Criteria: Ambry Variant Classification Scheme 2023. Collection method: clinical testing. Allele origin: germline.

Department of Pathology and Laboratory Medicine, Sinai Health System
Classification: Uncertain significance for Rhabdoid tumor predisposition syndrome 2; Intellectual disability, autosomal dominant 16; Otosclerosis 12. Last evaluated: 2021-07-30. Review status: criteria provided, single submitter. Criteria: ACMG Guidelines, 2015. Collection method: research. Allele origin: germline.

Genome-Nilou Lab
Classification: Uncertain significance for Intellectual disability, autosomal dominant 16. Last evaluated: 2021-07-15. Review status: criteria provided, single submitter. Criteria: ACMG Guidelines, 2015. Collection method: clinical testing. Allele origin: germline. Affected: no.

GeneDx
Classification: Uncertain significance. Last evaluated: 2021-02-11. Review status: criteria provided, single submitter. Criteria: GeneDx Variant Classification Process June 2021. Collection method: clinical testing. Allele origin: germline. Affected: yes.
Comment: In silico analysis supports that this missense variant does not alter protein structure/function; Has not been previously published as pathogenic or benign to our knowledge

NM_003072.5(SMARCA4):c.1742A>G (p.Lys581Arg)

Gene: SMARCA4 (SWI/SNF related BAF chromatin remodeling complex subunit ATPase 4; plus strand). Cytogenetic location: 19p13.2.
Variant type: single nucleotide variant.
Coding change: c.1742A>G on transcript NM_003072.5 (MANE Select); coding-DNA position 1742, A replaced by G.
Protein change: p.Lys581Arg; replaces lysine 581 with arginine.
Molecular consequence: missense variant. On other transcripts: non-coding transcript variant (1).
Genome position (GRCh38, 1-based): chr19:10,996,361, A>G. VCF-style: chr19-10996361-A-G. GRCh37 (hg19) VCF-style: chr19-11107037-A-G.
Other names: c.1742A>G, p.Lys581Arg (NM_001128844.3, NM_001128845.2, NM_001128846.2 and 5 more transcripts); short protein forms K581R.
Identifiers: ClinVar variation 408712 (VCV000408712.21), dbSNP rs765139835, ClinGen allele CA9203861.